The following is an entry in ClinVar:

NM_000532.5(PCCB):c.457G>C (p.Ala153Pro)

Gene: PCCB (propionyl-CoA carboxylase subunit beta; plus strand). Cytogenetic location: 3q22.3.
Variant type: single nucleotide variant.
Coding change: c.457G>C on transcript NM_000532.5 (MANE Select); coding-DNA position 457, G replaced by C.
Protein change: p.Ala153Pro; replaces alanine 153 with proline.
Molecular consequence: missense variant.
Genome position (GRCh38, 1-based): chr3:136,261,979, G>C. VCF-style: chr3-136261979-G-C. GRCh37 (hg19) VCF-style: chr3-135980821-G-C.
Other names: c.517G>C, p.Ala173Pro (NM_001178014.2); short protein forms A153P, A173P.
Identifiers: ClinVar variation 38884 (VCV000038884.8), dbSNP rs202247819, ClinGen allele CA343145.

ClinVar aggregate classification (germline): Pathogenic. Review status: criteria provided, multiple submitters, no conflicts (2 of 4 stars). 4 submissions from 4 submitters: Pathogenic (3). 1 of the submissions does not count toward it. Last evaluated 2025-01-27.

Conditions:
Propionic acidemia (PROP). Also called: KETOTIC HYPERGLYCINEMIA; GLYCINEMIA, KETOTIC; HYPERGLYCINEMIA WITH KETOACIDOSIS AND LEUKOPENIA. Identifiers: Orphanet 35, MedGen C0268579, MONDO:0011628, OMIM 606054, HP:0003571.

Allele frequency attached by ClinVar (database versions not stated): gnomAD exomes below 0.00001.

Submissions (4):

Natera, Inc.
Classification: Pathogenic for Propionic acidemia. Last evaluated: 2025-01-27. Review status: criteria provided, single submitter. Criteria: Natera Variant Classification Schema (03/2026). Collection method: clinical testing. Allele origin: germline.
Comment: The c.457G>C variant in PCCB is a missense variant predicted to cause substitution of alanine to proline at amino acid 153. This variant is rare in the general population with a frequency below the threshold expected for the associated phenotype(s). This variant has been observed in one or more individuals affected with the associated recessive disease, as either homozygous or compound heterozygous with a second variant (PMID: 15059621, 35331292). Computational prediction algorithms indicate this variant is likely to affect gene or protein function. Given the available evidence, this variant is classified as Pathogenic.

Labcorp Genetics (formerly Invitae), Labcorp
Classification: Pathogenic for Propionic acidemia. Last evaluated: 2023-10-25. Review status: criteria provided, single submitter. Criteria: Invitae Variant Classification Sherloc (09022015). Collection method: clinical testing. Allele origin: germline.
Comment: This sequence change replaces alanine, which is neutral and non-polar, with proline, which is neutral and non-polar, at codon 153 of the PCCB protein (p.Ala153Pro). This variant is not present in population databases (gnomAD no frequency). This missense change has been observed in individuals with propionic acidemia (PMID: 15059621, 35331292). ClinVar contains an entry for this variant (Variation ID: 38884). Advanced modeling of protein sequence and biophysical properties (such as structural, functional, and spatial information, amino acid conservation, physicochemical variation, residue mobility, and thermodynamic stability) performed at Invitae indicates that this missense variant is expected to disrupt PCCB protein function with a positive predictive value of 95%. For these reasons, this variant has been classified as Pathogenic.

Baylor Genetics
Classification: Pathogenic for Propionic acidemia. Last evaluated: 2021-11-11. Review status: criteria provided, single submitter. Criteria: ACMG Guidelines, 2015. Collection method: clinical testing. Allele origin: unknown.

GeneReviews
No classification provided. Condition: Propionic acidemia. Review status: no classification provided. Collection method: literature only. Allele origin: unknown. Not counted in ClinVar's aggregate classification.

Literature cited by the submitters: PubMed 15059621 (cited by Natera, Inc. and Labcorp Genetics (formerly Invitae), Labcorp); PubMed 35331292 (cited by Natera, Inc. and Labcorp Genetics (formerly Invitae), Labcorp); PubMed 22593918 (cited by GeneReviews); NCBI Bookshelf NBK92946 (cited by GeneReviews).